The following is an entry in ClinVar:

ClinVar aggregate classification (germline): Likely pathogenic (1 of 4 stars; one submission).

Allele frequency attached by ClinVar (database versions not stated): gnomAD exomes below 0.00001; TOPMed 0.00001.
gnomAD v4.1: 2 of 1,536,570 alleles (0.00013%); highest among the groups gnomAD compares: Non-Finnish European, 0.00017%; no homozygotes.

Submission:

Labcorp Genetics (formerly Invitae), Labcorp
Classification: Likely pathogenic. Last evaluated: 2023-11-01. Review status: criteria provided, single submitter. Criteria: Invitae Variant Classification Sherloc (09022015). Collection method: clinical testing. Allele origin: germline.
Comment: This sequence change affects a donor splice site in intron 15 of the SZT2 gene. It is expected to disrupt RNA splicing. Variants that disrupt the donor or acceptor splice site typically lead to a loss of protein function (PMID: 16199547), and loss-of-function variants in SZT2 are known to be pathogenic (PMID: 23932106, 27248490, 28556953). This variant is not present in population databases (gnomAD no frequency). This variant has not been reported in the literature in individuals affected with SZT2-related conditions. ClinVar contains an entry for this variant (Variation ID: 1067493). Algorithms developed to predict the effect of sequence changes on RNA splicing suggest that this variant may disrupt the consensus splice site. In summary, the currently available evidence indicates that the variant is pathogenic, but additional data are needed to prove that conclusively. Therefore, this variant has been classified as Likely Pathogenic.

Literature cited by the submitters: PubMed 16199547; PubMed 23932106; PubMed 27248490; PubMed 28556953.

NM_001365999.1(SZT2):c.2255+1G>T

Gene: SZT2 (SZT2 subunit of KICSTOR complex; plus strand). Cytogenetic location: 1p34.2.
Variant type: single nucleotide variant.
Coding change: c.2255+1G>T on transcript NM_001365999.1 (MANE Select); the canonical splice donor site of the intron after coding-DNA position 2255, G replaced by T.
Molecular consequence: splice donor variant.
Genome position (GRCh38, 1-based): chr1:43,423,317, G>T. VCF-style: chr1-43423317-G-T. GRCh37 (hg19) VCF-style: chr1-43888988-G-T.
Other names: c.2255+1G>T (NM_015284.4).
Identifiers: ClinVar variation 1067493 (VCV001067493.7), dbSNP rs989588546, ClinGen allele CA21630770.